The following is an entry in ClinVar:

ClinVar aggregate classification (germline): Benign (1 of 4 stars; one submission).

Submission:

Women's Health and Genetics/Laboratory Corporation of America, LabCorp
Classification: Benign. Last evaluated: 2021-01-20. Review status: criteria provided, single submitter. Criteria: LabCorp Variant Classification Summary - May 2015. Collection method: clinical testing. Allele origin: germline.
Comment: Variant summary: FKTN c.*4397_*4401delAGTCA is located in the untranslated mRNA region downstream of the termination codon. The variant allele was found at a frequency of 0.00019 in 150954 control chromosomes, predominantly at a frequency of 0.0061 within the Ashkenazi Jewish subpopulation (i.e. 21/3470 alleles) in the gnomAD v3.1 database. The observed variant frequency within Ashkenazi Jewish (ASJ) control individuals in the gnomAD database is higher than the estimated maximal expected allele frequency for a pathogenic variant in FKTN causing Walker-Warburg Syndrome phenotype (0.00046), suggesting that the variant is a benign polymorphism found primarily in populations of ASJ origin. To our knowledge, no occurrence of c.*4397_*4401delAGTCA in individuals affected with Walker-Warburg Syndrome and no experimental evidence demonstrating its impact on protein function have been reported. Co-occurrences with the common ASJ pathogenic variant (FKTN c.1167dupA (p.Phe390IlefsX14)) have been reported in cis (in internal LCA samples), providing supporting evidence for a benign role (of note, in gnomAD v3.1 the two variants have identical number of occurrences in the ASJ subpopulation, suggesting that the two variants occur on a common haplotype). No clinical diagnostic laboratories have submitted clinical-significance assessments for this variant to ClinVar after 2014. Based on the evidence outlined above, the variant was classified as benign.

NM_001079802.2(FKTN):c.*4397_*4401del

Gene: FKTN (fukutin; plus strand). Cytogenetic location: 9q31.2.
Variant type: Deletion.
Coding change: c.*4397_*4401del on transcript NM_001079802.2 (MANE Select); 4397 bases downstream of the stop codon through 4401 bases downstream of the stop codon, 5 bases deleted (AGTCA; older notation c.*4397_*4401delAGTCA).
Molecular consequence: 3 prime UTR variant. On other transcripts: non-coding transcript variant (2), intron variant (1).
Genome position (GRCh38, 1-based): chr9:105,639,661-105,639,665, AGTCA deleted; deleting any 5 consecutive bases within chr9:105,639,658-105,639,665 gives the same sequence; the c. name uses the placement nearest the transcript's 3' end. VCF-style (leftmost placement, unchanged base first): chr9-105639657-ATCAAG-A. GRCh37 (hg19) VCF-style: chr9-108401938-ATCAAG-A.
Other names: c.*4397_*4401delAGTCA (NM_006731.2); c.*4397_*4401del (NM_001351496.2, NM_001351497.2, NM_001351499.2 and 4 more transcripts); c.*4575_*4579del (NM_001351498.2); c.1271-440_1271-436del (NM_001198963.2).
Identifiers: ClinVar variation 996297 (VCV000996297.1), dbSNP rs1047701788, ClinGen allele CA198219645.